The following is an entry in ClinVar:

ClinVar aggregate classification (germline): Uncertain significance. Review status: criteria provided, multiple submitters, no conflicts (2 of 4 stars). 3 submissions from 3 submitters: Uncertain significance (2). 1 of the submissions does not count toward it. Last evaluated 2024-01-31.

Conditions:
Myoepithelial tumor. Identifiers: MedGen C0027070, MeSH D009208, MONDO:0002380.
Epidermolysis bullosa, junctional 5A, intermediate. Also called: EPIDERMOLYSIS BULLOSA, JUNCTIONAL 5A, GENERALIZED INTERMEDIATE; EPIDERMOLYSIS BULLOSA, JUNCTIONAL 5A, NON-HERLITZ TYPE. Identifiers: MedGen C5676956, MONDO:0030768, OMIM 619816.
Junctional epidermolysis bullosa with pyloric atresia. Also called: APLASIA CUTIS CONGENITA WITH GASTROINTESTINAL ATRESIA; CARMI SYNDROME; Epidermolysis bullosa, junctional, with pyloric atresia and aplasia cutis congenita; Epidermolysis bullosa junctionalis with pyloric atresia; ITGB4-Related Epidermolysis Bullosa with Pyloric Atresia; ITGA6-Related Epidermolysis Bullosa with Pyloric Atresia. Identifiers: Orphanet 79403, MedGen C5676875, MONDO:0009183, OMIM 226730.

Allele frequency attached by ClinVar (database versions not stated): gnomAD 0.00017.
gnomAD v4.1: 144 of 1,591,318 alleles (0.009%); highest among the groups gnomAD compares: African/African-American, 0.028%; no homozygotes.

Submissions (3):

Fulgent Genetics
Classification: Uncertain significance for Junctional epidermolysis bullosa with pyloric atresia; Epidermolysis bullosa, junctional 5A, intermediate. Last evaluated: 2024-01-31. Review status: criteria provided, single submitter. Criteria: ACMG Guidelines, 2015. Collection method: clinical testing. Allele origin: germline.

Mayo Clinic Laboratories, Mayo Clinic
Classification: Uncertain significance. Last evaluated: 2023-10-05. Review status: criteria provided, single submitter. Criteria: ACMG Guidelines, 2015. Collection method: clinical testing. Allele origin: germline. Observed: 1 variant allele.
Comment: PP3

Caryl and Israel Englander Institute for Precision Medicine, Weill Cornell Medicine
Classification: Uncertain significance for Myoepithelial tumor. Last evaluated: 2022-11-01. Review status: no assertion criteria provided. Collection method: research. Allele origin: somatic. Affected: yes. Not counted in ClinVar's aggregate classification.

NM_000213.5(ITGB4):c.2021G>A (p.Arg674Gln)

Gene: ITGB4 (integrin subunit beta 4; plus strand). Cytogenetic location: 17q25.1.
Variant type: single nucleotide variant.
Coding change: c.2021G>A on transcript NM_000213.5 (MANE Select); coding-DNA position 2021, G replaced by A.
Protein change: p.Arg674Gln; replaces arginine 674 with glutamine.
Molecular consequence: missense variant.
Genome position (GRCh38, 1-based): chr17:75,737,352, G>A. VCF-style: chr17-75737352-G-A. GRCh37 (hg19) VCF-style: chr17-73733433-G-A.
Other names: p.Arg674Gln; c.2021G>A, p.Arg674Gln (NM_001005619.2, NM_001005731.3, NM_001321123.2); short protein forms R674Q.
Identifiers: ClinVar variation 1801803 (VCV001801803.3), dbSNP rs769814654, ClinGen allele CA8769231.